The following is an entry in ClinVar:

NM_016335.6(PRODH):c.1471G>T (p.Ala491Ser)

Gene: PRODH (proline dehydrogenase 1; minus strand). Cytogenetic location: 22q11.21.
Variant type: single nucleotide variant.
Coding change: c.1471G>T on transcript NM_016335.6 (MANE Select); coding-DNA position 1471, G replaced by T.
Protein change: p.Ala491Ser; replaces alanine 491 with serine.
Molecular consequence: missense variant.
Genome position (GRCh38, 1-based): chr22:18,916,945, C>A on the plus strand (G>T on the coding strand, the complement: PRODH is on the minus strand). VCF-style: chr22-18916945-C-A. GRCh37 (hg19) VCF-style: chr22-18904458-C-A.
Other names: c.1147G>T, p.Ala383Ser (NM_001195226.2); short protein forms A383S, A491S.
Identifiers: ClinVar variation 853698 (VCV000853698.8), dbSNP rs1241975657, ClinGen allele CA410640697.
Genomic context (GRCh38, chr22:18,916,945, plus strand): 5'-CCTACCTGCGCAGTGCAAAGCGCACTGTGTCCTCATTGTGGGAGGCCACCATCACCTTGG[C>A]CTTGGCGTTGTGCTTCAGCTCCTCCAACACGTAGTCCAGGCACCTGTGGAGAGTGCCATG-3'
Protein context (NP_057419.5, residues 481-501): VLEELKHNAK[Ala491Ser]KVMVASHNED

ClinVar aggregate classification (germline): Uncertain significance. Review status: criteria provided, multiple submitters, no conflicts (2 of 4 stars). 2 submissions from 2 submitters: Uncertain significance (2). Last evaluated 2024-01-09.

Conditions:
Proline dehydrogenase deficiency (HYRPRO1). Also called: Hyperprolinemia type 1; PROLINE OXIDASE DEFICIENCY. Identifiers: Orphanet 419, MedGen C0268529, MONDO:0009400, OMIM 239500.
Schizophrenia 4 (SCZD4). Also called: SCHIZOPHRENIA SUSCEPTIBILITY LOCUS, CHROMOSOME 22q11-RELATED; SCHIZOPHRENIA, SUSCEPTIBILITY TO, 4. Identifiers: MedGen C1833247, MONDO:0010943, OMIM 600850.

Allele frequency attached by ClinVar (database versions not stated): gnomAD exomes below 0.00001.

Submissions (2):

Fulgent Genetics
Classification: Uncertain significance for Proline dehydrogenase deficiency; Schizophrenia 4. Last evaluated: 2024-01-09. Review status: criteria provided, single submitter. Criteria: ACMG Guidelines, 2015. Collection method: clinical testing. Allele origin: germline.

Labcorp Genetics (formerly Invitae), Labcorp
Classification: Uncertain significance for Proline dehydrogenase deficiency. Last evaluated: 2022-05-04. Review status: criteria provided, single submitter. Criteria: Invitae Variant Classification Sherloc (09022015). Collection method: clinical testing. Allele origin: germline.
Comment: This sequence change replaces alanine, which is neutral and non-polar, with serine, which is neutral and polar, at codon 491 of the PRODH protein (p.Ala491Ser). This variant is present in population databases (no rsID available, gnomAD 0.0009%). This variant has not been reported in the literature in individuals affected with PRODH-related conditions. ClinVar contains an entry for this variant (Variation ID: 853698). Algorithms developed to predict the effect of missense changes on protein structure and function (SIFT, PolyPhen-2, Align-GVGD) all suggest that this variant is likely to be tolerated. In summary, the available evidence is currently insufficient to determine the role of this variant in disease. Therefore, it has been classified as a Variant of Uncertain Significance.